The following is an entry in ClinVar:

NM_024675.4(PALB2):c.2391A>C (p.Gln797His)

Gene: PALB2 (partner and localizer of BRCA2; minus strand). Cytogenetic location: 16p12.2.
Variant type: single nucleotide variant.
Coding change: c.2391A>C on transcript NM_024675.4 (MANE Select); coding-DNA position 2391, A replaced by C.
Protein change: p.Gln797His; replaces glutamine 797 with histidine.
Molecular consequence: missense variant. On other transcripts: intron variant (1).
Genome position (GRCh38, 1-based): chr16:23,629,763, T>G on the plus strand (A>C on the coding strand, the complement: PALB2 is on the minus strand). VCF-style: chr16-23629763-T-G. GRCh37 (hg19) VCF-style: chr16-23641084-T-G.
Other names: c.2331A>C, p.Gln777His (NM_001407296.1); c.2391A>C, p.Gln797His (NM_001407297.1, NM_001407298.1, NM_001407299.1 and 3 more transcripts); c.1506A>C, p.Gln502His (NM_001407304.1, NM_001407305.1, NM_001407306.1 and 5 more transcripts); c.603A>C, p.Gln201His (NM_001407312.1, NM_001407313.1); c.49-488A>C (NM_001407314.1); short protein forms Q797H, Q201H, Q777H, Q502H.
Identifiers: ClinVar variation 2447309 (VCV002447309.2), dbSNP rs780015674, ClinGen allele CA395124543.

ClinVar aggregate classification (germline): Uncertain significance (1 of 4 stars; one submission).

Conditions:
Hereditary cancer-predisposing syndrome. Also called: Neoplastic Syndromes, Hereditary; Hereditary Cancer Syndrome; Tumor predisposition; Hereditary neoplastic syndrome. Identifiers: Orphanet 140162, MedGen C0027672, MeSH D009386, MONDO:0015356.

Submission:

Ambry Genetics
Classification: Uncertain significance for Hereditary cancer-predisposing syndrome. Last evaluated: 2023-03-06. Review status: criteria provided, single submitter. Criteria: Ambry Variant Classification Scheme 2023. Collection method: clinical testing. Allele origin: germline.
Comment: The p.Q797H variant (also known as c.2391A>C), located in coding exon 5 of the PALB2 gene, results from an A to C substitution at nucleotide position 2391. The glutamine at codon 797 is replaced by histidine, an amino acid with highly similar properties. This amino acid position is conserved. In addition, this alteration is predicted to be tolerated by in silico analysis. Since supporting evidence is limited at this time, the clinical significance of this alteration remains unclear.